The following is an entry in ClinVar:

ClinVar aggregate classification (germline): Pathogenic (1 of 4 stars; one submission).

Conditions:
Polycystic kidney disease 4 (PKD4). Also called: POLYCYSTIC KIDNEY AND HEPATIC DISEASE 1; POLYCYSTIC KIDNEY DISEASE, INFANTILE, TYPE I; POLYCYSTIC KIDNEY DISEASE 4 WITH OR WITHOUT POLYCYSTIC LIVER DISEASE; PKD3; Autosomal Recessive Polycystic Kidney Disease – PKHD1. Identifiers: MedGen C4540575, MONDO:0033004, OMIM 263200.

Submission:

Myriad Genetics, Inc.
Classification: Pathogenic for Polycystic kidney disease 4. Last evaluated: 2023-09-27. Review status: criteria provided, single submitter. Criteria: Myriad Autosomal Dominant, Autosomal Recessive and X-Linked Classification Criteria (2023). Collection method: clinical testing. Allele origin: unknown.
Comment: NM_138694.3(PKHD1):c.2372dupA(H791Qfs*8) is expected to be pathogenic in the context of autosomal recessive polycystic kidney disease, PKHD1-related. This variant is predicted to lead to an abnormal or absent protein product due to the creation of a premature termination codon in PKHD1, a gene where loss-of-function variants are known to be pathogenic. Please note: this variant was assessed in the context of healthy population screening.

NM_138694.4(PKHD1):c.2372dup (p.His791fs)

Gene: PKHD1 (PKHD1 ciliary IPT domain containing fibrocystin/polyductin; minus strand). Cytogenetic location: 6p12.2.
Variant type: Duplication.
Coding change: c.2372dup on transcript NM_138694.4 (MANE Select); coding-DNA position 2372, one base duplicated (A; older notation c.2372dupA).
Protein change: p.His791fs; shifts the reading frame from histidine 791.
Molecular consequence: frameshift variant.
Genome position (GRCh38, 1-based): chr6:52,048,527, T duplicated on the plus strand (A on the coding strand, the reverse complement: PKHD1 is on the minus strand). VCF-style (leftmost placement, unchanged base first): chr6-52048526-G-GT. GRCh37 (hg19) VCF-style: chr6-51913324-G-GT.
Other names: c.2372dup, p.His791fs (NM_170724.3); short protein forms H791fs.
Identifiers: ClinVar variation 5012223 (VCV005012223.1).
Genomic context (GRCh38, chr6:52,048,526, plus strand): 5'-TGTTGCAACCCCAATCACCCCTTTACCAGAAATCACTGTATTAGGAAGCTGGATGCGAAA[G>GT]TGTCCTCCTAGAGGTGGACTTGTCCGCTGTCGTCTCTGTGTCGTCACCAGGACCAGTCCA-3'